The following is an entry in ClinVar:

ClinVar aggregate classification (germline): Uncertain significance (1 of 4 stars; one submission).

Conditions:
Amyotrophic lateral sclerosis type 1 (ALS1). Also called: AMYOTROPHIC LATERAL SCLEROSIS 1, FAMILIAL. Identifiers: Orphanet 803, MedGen C1862939, MONDO:0007103, OMIM 105400.
Neuronopathy, distal hereditary motor, type 7B. Also called: HMN VIIB; LOWER MOTOR NEURON DISEASE, DYNACTIN TYPE; NEURONOPATHY, DISTAL HEREDITARY MOTOR, AUTOSOMAL DOMINANT 14; NEURONOPATHY, DISTAL HEREDITARY MOTOR, HARDING TYPE VIIB; NEUROPATHY, DISTAL HEREDITARY MOTOR, HARDING TYPE VIIB; NEUROPATHY, DISTAL HEREDITARY MOTOR, WITH VOCAL CORD PARALYSIS, HARDING TYPE VIIB. Identifiers: Orphanet 139589, MedGen C1843315, MONDO:0011879, OMIM 607641.
Perry syndrome. Also called: PARKINSONISM WITH ALVEOLAR HYPOVENTILATION AND MENTAL DEPRESSION. Identifiers: Orphanet 178509, MedGen C1868594, MONDO:0008201, OMIM 168605.

Allele frequency attached by ClinVar (database versions not stated): ExAC 0.00002; TOPMed 0.00005.
gnomAD v4.1: 5 of 1,614,244 alleles (0.00031%); highest among the groups gnomAD compares: Admixed American, 0.0083%; no homozygotes.

Submission:

Labcorp Genetics (formerly Invitae), Labcorp
Classification: Uncertain significance for Amyotrophic lateral sclerosis type 1; Neuronopathy, distal hereditary motor, type 7B; Perry syndrome. Last evaluated: 2022-11-01. Review status: criteria provided, single submitter. Criteria: Invitae Variant Classification Sherloc (09022015). Collection method: clinical testing. Allele origin: germline.
Comment: In summary, the available evidence is currently insufficient to determine the role of this variant in disease. Therefore, it has been classified as a Variant of Uncertain Significance. Advanced modeling of protein sequence and biophysical properties (such as structural, functional, and spatial information, amino acid conservation, physicochemical variation, residue mobility, and thermodynamic stability) performed at Invitae indicates that this missense variant is not expected to disrupt DCTN1 protein function. This variant has not been reported in the literature in individuals affected with DCTN1-related conditions. This variant is present in population databases (rs765357786, gnomAD 0.01%). This sequence change replaces methionine, which is neutral and non-polar, with leucine, which is neutral and non-polar, at codon 612 of the DCTN1 protein (p.Met612Leu).

NM_004082.5(DCTN1):c.1834A>T (p.Met612Leu)

Gene: DCTN1 (dynactin subunit 1; minus strand). Cytogenetic location: 2p13.1.
Variant type: single nucleotide variant.
Coding change: c.1834A>T on transcript NM_004082.5 (MANE Select); coding-DNA position 1834, A replaced by T.
Protein change: p.Met612Leu; replaces methionine 612 with leucine.
Molecular consequence: missense variant. On other transcripts: non-coding transcript variant (1).
Genome position (GRCh38, 1-based): chr2:74,368,748, T>A on the plus strand (A>T on the coding strand, the complement: DCTN1 is on the minus strand). VCF-style: chr2-74368748-T-A. GRCh37 (hg19) VCF-style: chr2-74595875-T-A.
Other names: c.1774A>T, p.Met592Leu (NM_001135040.3); c.1432A>T, p.Met478Leu (NM_001135041.3, NM_023019.4); c.1723A>T, p.Met575Leu (NM_001190836.2); c.1813A>T, p.Met605Leu (NM_001190837.2); c.1783A>T, p.Met595Leu (NM_001378991.1); c.1765A>T, p.Met589Leu (NM_001378992.1); short protein forms M575L, M592L, M595L, M605L, M478L, M589L, M612L.
Identifiers: ClinVar variation 2934519 (VCV002934519.3), dbSNP rs765357786, ClinGen allele CA1722034.